The following is an entry in ClinVar:

NM_031844.3(HNRNPU):c.1288G>A (p.Val430Ile)

Gene: HNRNPU (heterogeneous nuclear ribonucleoprotein U; minus strand). Cytogenetic location: 1q44.
Variant type: single nucleotide variant.
Coding change: c.1288G>A on transcript NM_031844.3 (MANE Select); coding-DNA position 1288, G replaced by A.
Protein change: p.Val430Ile; replaces valine 430 with isoleucine.
Molecular consequence: missense variant.
Genome position (GRCh38, 1-based): chr1:244,858,217, C>T on the plus strand (G>A on the coding strand, the complement: HNRNPU is on the minus strand). VCF-style: chr1-244858217-C-T. GRCh37 (hg19) VCF-style: chr1-245021519-C-T.
Other names: c.1231G>A, p.Val411Ile (NM_004501.3); short protein forms V430I, V411I.
Identifiers: ClinVar variation 406725 (VCV000406725.32), dbSNP rs772732188, ClinGen allele CA1486486.

ClinVar aggregate classification (germline): Conflicting classifications of pathogenicity. Review status: criteria provided, conflicting classifications (1 of 4 stars). 3 submissions from 3 submitters: Uncertain significance (2); Likely benign (1). Last evaluated 2025-04-22.

Conditions:
Inborn genetic diseases. Identifiers: MedGen C0950123, MeSH D030342.
Developmental and epileptic encephalopathy, 54. Also called: HNRNPU-Related Neurodevelopmental Disorder; Epileptic encephalopathy, early infantile, 54. Identifiers: MedGen C4479319, MONDO:0033363, OMIM 617391.

Allele frequency attached by ClinVar (database versions not stated): gnomAD 0.00001; gnomAD exomes 0.00001 and 0.00002; TOPMed 0.00001; ExAC 0.00002.
gnomAD v4.1: 24 of 1,613,754 alleles (0.0015%); highest among the groups gnomAD compares: South Asian, 0.011%; no homozygotes.

Submissions (3):

Labcorp Genetics (formerly Invitae), Labcorp
Classification: Uncertain significance for Developmental and epileptic encephalopathy, 54. Last evaluated: 2025-04-22. Review status: criteria provided, single submitter. Criteria: Invitae Variant Classification Sherloc (09022015). Collection method: clinical testing. Allele origin: germline.
Comment: This sequence change replaces valine, which is neutral and non-polar, with isoleucine, which is neutral and non-polar, at codon 430 of the HNRNPU protein (p.Val430Ile). This variant is present in population databases (rs772732188, gnomAD 0.02%). This variant has not been reported in the literature in individuals affected with HNRNPU-related conditions. ClinVar contains an entry for this variant (Variation ID: 406725). Invitae Evidence Modeling of protein sequence and biophysical properties (such as structural, functional, and spatial information, amino acid conservation, physicochemical variation, residue mobility, and thermodynamic stability) indicates that this missense variant is not expected to disrupt HNRNPU protein function with a negative predictive value of 95%. In summary, the available evidence is currently insufficient to determine the role of this variant in disease. Therefore, it has been classified as a Variant of Uncertain Significance.

Ambry Genetics
Classification: Likely benign for Inborn genetic diseases. Last evaluated: 2022-08-31. Review status: criteria provided, single submitter. Criteria: Ambry Variant Classification Scheme 2023. Collection method: clinical testing. Allele origin: germline.

CeGaT Center for Human Genetics Tuebingen
Classification: Uncertain significance. Last evaluated: 2022-08-01. Review status: criteria provided, single submitter. Criteria: CeGaT Center For Human Genetics Tuebingen Variant Classification Criteria Version 2. Collection method: clinical testing. Allele origin: germline. Affected: yes. Observed: 1 variant allele.
Comment: HNRNPU: PP2, BP4